The following is an entry in ClinVar:

NM_001374259.2(IL12RB2):c.1426A>G (p.Ser476Gly)

Gene: IL12RB2 (interleukin 12 receptor subunit beta 2; plus strand). Cytogenetic location: 1p31.3.
Variant type: single nucleotide variant.
Coding change: c.1426A>G on transcript NM_001374259.2 (MANE Select); coding-DNA position 1426, A replaced by G.
Protein change: p.Ser476Gly; replaces serine 476 with glycine.
Molecular consequence: missense variant. On other transcripts: non-coding transcript variant (2).
Genome position (GRCh38, 1-based): chr1:67,367,992, A>G. VCF-style: chr1-67367992-A-G. GRCh37 (hg19) VCF-style: chr1-67833675-A-G.
Other names: c.1426A>G, p.Ser476Gly (NM_001258214.1, NM_001258215.1, NM_001258216.1 and 2 more transcripts); c.1426A>G (NM_001559.2); short protein forms S476G.
Identifiers: ClinVar variation 1514381 (VCV001514381.7), dbSNP rs771271419, ClinGen allele CA900487.
Genomic context (GRCh38, chr1:67,367,992, plus strand): 5'-GTGGAATGGAGAGAGCTCCATCCAGGGGGTGACACACAGGTCCCTCTAAACTGGCTACGG[A>G]GTCGACCCTACAATGTGTCTGCTCTGATTTCAGGTACCTAATTGTTCACCTTCCTTCTAG-3'
Protein context (NP_001361188.1, residues 466-486): DTQVPLNWLR[Ser476Gly]RPYNVSALIS

ClinVar aggregate classification (germline): Uncertain significance. Review status: criteria provided, multiple submitters, no conflicts (2 of 4 stars). 2 submissions from 2 submitters: Uncertain significance (2). Last evaluated 2021-10-06.

Allele frequency attached by ClinVar (database versions not stated): TOPMed 0.00001; ExAC 0.00003; gnomAD exomes 0.00004.
gnomAD v4.1: 19 of 1,609,258 alleles (0.0012%); highest among the groups gnomAD compares: Non-Finnish European, 0.00026%; no homozygotes.

Submissions (2):

Labcorp Genetics (formerly Invitae), Labcorp
Classification: Uncertain significance. Last evaluated: 2021-10-06. Review status: criteria provided, single submitter. Criteria: Invitae Variant Classification Sherloc (09022015). Collection method: clinical testing. Allele origin: germline.
Comment: In summary, the available evidence is currently insufficient to determine the role of this variant in disease. Therefore, it has been classified as a Variant of Uncertain Significance. This sequence change replaces serine with glycine at codon 476 of the IL12RB2 protein (p.Ser476Gly). The serine residue is moderately conserved and there is a small physicochemical difference between serine and glycine. This variant is present in population databases (rs771271419, ExAC 0.006%). This variant has not been reported in the literature in individuals affected with IL12RB2-related conditions. Algorithms developed to predict the effect of missense changes on protein structure and function are either unavailable or do not agree on the potential impact of this missense change (SIFT: "Deleterious"; PolyPhen-2: "Benign"; Align-GVGD: "Class C0").

Ambry Genetics
Classification: Uncertain significance. Last evaluated: 2021-10-05. Review status: criteria provided, single submitter. Criteria: Ambry Variant Classification Scheme 2023. Collection method: clinical testing. Allele origin: germline.